The following is an entry in ClinVar:

ClinVar aggregate classification (germline): Uncertain significance (1 of 4 stars; one submission).

Conditions:
Hereditary cancer-predisposing syndrome. Also called: Neoplastic Syndromes, Hereditary; Tumor predisposition; Hereditary Cancer Syndrome; Hereditary neoplastic syndrome. Identifiers: Orphanet 140162, MedGen C0027672, MeSH D009386, MONDO:0015356.

Submission:

Ambry Genetics
Classification: Uncertain significance for Hereditary cancer-predisposing syndrome. Last evaluated: 2020-05-27. Review status: criteria provided, single submitter. Criteria: Ambry Variant Classification Scheme 2023. Collection method: clinical testing. Allele origin: germline.
Comment: The p.Q1364P variant (also known as c.4091A>C), located in coding exon 28 of the ALK gene, results from an A to C substitution at nucleotide position 4091. The glutamine at codon 1364 is replaced by proline, an amino acid with similar properties. This amino acid position is highly conserved in available vertebrate species. In addition, this alteration is predicted to be deleterious by in silico analysis. Since supporting evidence is limited at this time, the clinical significance of this alteration remains unclear.

NM_004304.5(ALK):c.4091A>C (p.Gln1364Pro)

Gene: ALK (ALK receptor tyrosine kinase; minus strand). Cytogenetic location: 2p23.2.
Variant type: single nucleotide variant.
Coding change: c.4091A>C on transcript NM_004304.5 (MANE Select); coding-DNA position 4091, A replaced by C.
Protein change: p.Gln1364Pro; replaces glutamine 1364 with proline.
Molecular consequence: missense variant.
Genome position (GRCh38, 1-based): chr2:29,196,843, T>G on the plus strand (A>C on the coding strand, the complement: ALK is on the minus strand). VCF-style: chr2-29196843-T-G. GRCh37 (hg19) VCF-style: chr2-29419709-T-G.
Other names: c.887A>C, p.Gln296Pro (NM_001353765.2); short protein forms Q296P, Q1364P.
Identifiers: ClinVar variation 1737747 (VCV001737747.2), dbSNP rs2148141946, ClinGen allele CA346465426.